The following is an entry in ClinVar:

NM_006230.4(POLD2):c.326G>A (p.Arg109Gln)

Gene: POLD2 (DNA polymerase delta 2, accessory subunit; minus strand). Cytogenetic location: 7p13.
Variant type: single nucleotide variant.
Coding change: c.326G>A on transcript NM_006230.4 (MANE Select); coding-DNA position 326, G replaced by A.
Protein change: p.Arg109Gln; replaces arginine 109 with glutamine.
Molecular consequence: missense variant.
Genome position (GRCh38, 1-based): chr7:44,117,959, C>T on the plus strand (G>A on the coding strand, the complement: POLD2 is on the minus strand). VCF-style: chr7-44117959-C-T. GRCh37 (hg19) VCF-style: chr7-44157558-C-T.
Other names: c.326G>A, p.Arg109Gln (NM_001127218.3, NM_001256879.2); short protein forms R109Q.
Identifiers: ClinVar variation 2050507 (VCV002050507.4), dbSNP rs149066641, ClinGen allele CA4238906.
Genomic context (GRCh38, chr7:44,117,959, plus strand): 5'-GCCAGGTCTGCCTGGCGGCCCCACTGTGTAGCACCCTGCCTCACCTCCTCGCTGACCTCC[C>T]GCAGGATGGAGGGCTGCAGCGGCATGGCCTTGAACAGAGTGCCCACCACACAGCACTTCT-3'
Protein context (NP_006221.3, residues 99-119): KAMPLQPSIL[Arg109Gln]EVSEEHNLLP

ClinVar aggregate classification (germline): Uncertain significance (1 of 4 stars; one submission).

Allele frequency attached by ClinVar (database versions not stated): 1000 Genomes Project 30x 0.00016; 1000 Genomes Project 0.00020; TOPMed 0.00025; gnomAD exomes 0.00026; gnomAD 0.00030; ExAC 0.00036; ESP Exome Variant Server 0.00038.
gnomAD v4.1: 418 of 1,614,162 alleles (0.026%); highest among the groups gnomAD compares: Non-Finnish European, 0.028%; no homozygotes.

Submission:

Labcorp Genetics (formerly Invitae), Labcorp
Classification: Uncertain significance. Last evaluated: 2025-10-24. Review status: criteria provided, single submitter. Criteria: Invitae Variant Classification Sherloc (09022015). Collection method: clinical testing. Allele origin: germline.
Comment: This sequence change replaces arginine, which is basic and polar, with glutamine, which is neutral and polar, at codon 144 of the POLD2 protein (p.Arg144Gln). This variant is present in population databases (rs149066641, gnomAD 0.1%), and has an allele count higher than expected for a pathogenic variant. This variant has not been reported in the literature in individuals affected with POLD2-related conditions. ClinVar contains an entry for this variant (Variation ID: 2050507). An algorithm developed to predict the effect of missense changes on protein structure and function outputs the following: PolyPhen-2: "Not Available". The glutamine amino acid residue is found in multiple mammalian species, which suggests that this missense change does not adversely affect protein function. In summary, the available evidence is currently insufficient to determine the role of this variant in disease. Therefore, it has been classified as a Variant of Uncertain Significance.